The following is an entry in ClinVar:

NM_000096.4(CP):c.1991_1992del (p.Thr664fs)

Gene: CP (ceruloplasmin; minus strand). Cytogenetic location: 3q24.
Variant type: Microsatellite.
Coding change: c.1991_1992del on transcript NM_000096.4 (MANE Select); coding-DNA positions 1991 to 1992, 2 bases deleted (CA; older notation c.1991_1992delCA).
Protein change: p.Thr664fs; shifts the reading frame from threonine 664.
Molecular consequence: frameshift variant.
Genome position (GRCh38, 1-based): chr3:149,186,605-149,186,606, TG deleted on the plus strand (CA on the coding strand, the reverse complement: CP is on the minus strand); deleting any 2 consecutive bases within chr3:149,186,605-149,186,609 gives the same sequence; the c. name uses the placement nearest the transcript's 3' end. VCF-style (leftmost placement, unchanged base first): chr3-149186604-ATG-A. GRCh37 (hg19) VCF-style: chr3-148904391-ATG-A.
Other names: short protein forms T664fs.
Identifiers: ClinVar variation 2630109 (VCV002630109.4), dbSNP rs1257565717, ClinGen allele CA547366052.

ClinVar aggregate classification (germline): Pathogenic. Review status: criteria provided, multiple submitters, no conflicts (2 of 4 stars). 2 submissions from 2 submitters: Pathogenic (2). Last evaluated 2024-07-24.

Conditions:
Deficiency of ferroxidase (ACEP). Also called: Deficiency of ceruloplasmin; NEURODEGENERATION WITH BRAIN IRON ACCUMULATION 10; Aceruloplasminemia; Ceruloplasmin deficiency; Familial apoceruloplasmin deficiency; Hereditary ceruloplasmin deficiency. Identifiers: Orphanet 48818, MedGen C0878682, MONDO:0011426, OMIM 604290, HP:0025498.
CP-related disorder. Also called: CP-related condition.

Submissions (2):

Labcorp Genetics (formerly Invitae), Labcorp
Classification: Pathogenic for Deficiency of ferroxidase. Last evaluated: 2024-07-24. Review status: criteria provided, single submitter. Criteria: Invitae Variant Classification Sherloc (09022015). Collection method: clinical testing. Allele origin: germline.
Comment: This sequence change creates a premature translational stop signal (p.Thr664Ilefs*26) in the CP gene. It is expected to result in an absent or disrupted protein product. Loss-of-function variants in CP are known to be pathogenic (PMID: 16629161). This variant is present in population databases (no rsID available, gnomAD 0.0009%). This variant has not been reported in the literature in individuals affected with CP-related conditions. ClinVar contains an entry for this variant (Variation ID: 2630109). For these reasons, this variant has been classified as Pathogenic.

PreventionGenetics, part of Exact Sciences
Classification: Pathogenic for CP-related condition. Last evaluated: 2023-03-16. Review status: criteria provided, single submitter. Criteria: ACMG Guidelines, 2015. Collection method: clinical testing. Allele origin: germline.
Comment: The CP c.1991_1992delCA variant is predicted to result in a frameshift and premature protein termination (p.Thr664Ilefs*26). To our knowledge, this variant has not been reported in the literature. This variant is reported in 0.00088% of alleles in individuals of European (Non-Finnish) descent in gnomAD. Frameshift variants in CP are expected to be pathogenic. This variant is interpreted as pathogenic.

Literature cited by the submitters: PubMed 16629161 (cited by Labcorp Genetics (formerly Invitae), Labcorp).